The following is an entry in ClinVar:

ClinVar aggregate classification (germline): Uncertain significance (1 of 4 stars; one submission).

Submission:

Labcorp Genetics (formerly Invitae), Labcorp
Classification: Uncertain significance. Last evaluated: 2025-07-16. Review status: criteria provided, single submitter. Criteria: Invitae Variant Classification Sherloc (09022015). Collection method: clinical testing. Allele origin: germline.
Comment: This sequence change replaces glutamic acid, which is acidic and polar, with glycine, which is neutral and non-polar, at codon 454 of the ALPK3 protein (p.Glu454Gly). The frequency data for this variant in the population databases is considered unreliable, as metrics indicate poor data quality at this position in the gnomAD database. This variant has not been reported in the literature in individuals affected with ALPK3-related conditions. Invitae Evidence Modeling of protein sequence and biophysical properties (such as structural, functional, and spatial information, amino acid conservation, physicochemical variation, residue mobility, and thermodynamic stability) indicates that this missense variant is expected to disrupt ALPK3 protein function with a positive predictive value of 80%. In summary, the available evidence is currently insufficient to determine the role of this variant in disease. Therefore, it has been classified as a Variant of Uncertain Significance.

NM_020778.5(ALPK3):c.755A>G (p.Glu252Gly)

Gene: ALPK3 (alpha kinase 3; plus strand). Cytogenetic location: 15q25.3.
Variant type: single nucleotide variant.
Coding change: c.755A>G on transcript NM_020778.5 (MANE Select); coding-DNA position 755, A replaced by G.
Protein change: p.Glu252Gly; replaces glutamic acid 252 with glycine.
Molecular consequence: missense variant.
Genome position (GRCh38, 1-based): chr15:84,840,034, A>G. VCF-style: chr15-84840034-A-G. GRCh37 (hg19) VCF-style: chr15-85383265-A-G.
Other names: short protein forms E252G.
Identifiers: ClinVar variation 4764018 (VCV004764018.1).